The following is an entry in ClinVar:

ClinVar aggregate classification (germline): Uncertain significance (1 of 4 stars; one submission).

Conditions:
Developmental and epileptic encephalopathy 104 (DEE104). Identifiers: MedGen C5774183, MONDO:0031021, OMIM 619970.

gnomAD v4.1: 18 of 1,611,274 alleles (0.0011%); highest among the groups gnomAD compares: South Asian, 0.02%; no homozygotes.

Submission:

Neuberg Centre For Genomic Medicine, NCGM
Classification: Uncertain significance for Developmental and epileptic encephalopathy 104. Last evaluated: 2023-05-20. Review status: criteria provided, single submitter. Criteria: ACMG Guidelines, 2015. Collection method: clinical testing. Allele origin: germline. Inheritance: Autosomal dominant inheritance. Affected: yes.
Comment: The observed missense c.1471G>A (p.Glu491Lys) variant in ATP6V0A1 gene has not been reported previously as a pathogenic variant nor as a benign variant, to our knowledge. The p.Glu491Lys variant is present with allele frequency of 0.003% in gnomAD Exomes. This variant has not been submitted to the ClinVar database. Computational evidence (Polyphen - Benign, SIFT - Tolerated and MutationTaster - Disease causing) predicts conflicting evidence on protein structure and function for this variant. The reference amino acid of p.Glu491Lys in ATP6V0A1 is predicted as conserved by GERP++ and PhyloP across 100 vertebrates. The amino acid Glu at position 491 is changed to a Lys changing protein sequence and it might alter its composition and physico-chemical properties. For these reasons, this variant has been classified as a Variant of Uncertain Significance (VUS).

NM_001130021.3(ATP6V0A1):c.1471G>A (p.Glu491Lys)

Gene: ATP6V0A1 (ATPase H+ transporting V0 subunit a1; plus strand). Cytogenetic location: 17q21.2.
Variant type: single nucleotide variant.
Coding change: c.1471G>A on transcript NM_001130021.3 (MANE Select); coding-DNA position 1471, G replaced by A.
Protein change: p.Glu491Lys; replaces glutamic acid 491 with lysine.
Molecular consequence: missense variant. On other transcripts: intron variant (1).
Genome position (GRCh38, 1-based): chr17:42,495,627, G>A. VCF-style: chr17-42495627-G-A. GRCh37 (hg19) VCF-style: chr17-40647645-G-A.
Other names: c.1492G>A, p.Glu498Lys (NM_001130020.3, NM_001378522.1, NM_001378523.1 and 3 more transcripts); c.1594G>A, p.Glu532Lys (NM_001378530.1, NM_001378533.1, NM_001378551.1 and 1 more transcripts); c.1615G>A, p.Glu539Lys (NM_001378531.1, NM_001378532.1); c.1471G>A, p.Glu491Lys (NM_001378535.1, NM_001378537.1, NM_001378542.1 and 3 more transcripts); c.1363G>A, p.Glu455Lys (NM_001378536.1, NM_001378550.1, NM_001378556.1); c.1342G>A, p.Glu448Lys (NM_001378538.1, NM_001378540.1); c.1312G>A, p.Glu438Lys (NM_001378543.1); c.1261G>A, p.Glu421Lys (NM_001378545.1, NM_001378554.1); and 3 more; short protein forms E420K, E421K, E431K, E438K, E448K, E455K, E491K, E498K.
Identifiers: ClinVar variation 3367110 (VCV003367110.1).